The following is an entry in ClinVar:

NM_001323289.2(CDKL5):c.1941C>G (p.Pro647=)

Gene: CDKL5 (cyclin dependent kinase like 5; plus strand). Cytogenetic location: Xp22.13.
Variant type: single nucleotide variant.
Coding change: c.1941C>G on transcript NM_001323289.2 (MANE Select); coding-DNA position 1941, C replaced by G.
Protein change: p.Pro647=; no amino-acid change (proline 647 retained).
Molecular consequence: synonymous variant.
Genome position (GRCh38, 1-based): chrX:18,604,865, C>G. VCF-style: chrX-18604865-C-G. GRCh37 (hg19) VCF-style: chrX-18622985-C-G.
Other names: c.1941C>G, p.Pro647= (NM_001037343.2, NM_003159.3).
Identifiers: ClinVar variation 4681871 (VCV004681871.5).
Genomic context (GRCh38, chrX:18,604,865, plus strand): 5'-AAGCTTGAGCATAGGGCAAGGGATGGCAGCTAGAGCCAACAGCCTGCAACTCTTGTCACC[C>G]CAGGTACAGTTGAGCACCTTGACTGAATCTGGTGGCCCTTCAGGGGAAGGTGGTACGAGG-3'
Protein context (NP_001310218.1, residues 637-657): ARANSLQLLS[Pro647=]QPGEQLPPEM

ClinVar aggregate classification (germline): Likely benign (1 of 4 stars; one submission).

Submission:

CeGaT Center for Human Genetics Tuebingen
Classification: Likely benign. Last evaluated: 2025-12-01. Review status: criteria provided, single submitter. Criteria: CeGaT Center For Human Genetics Tuebingen Variant Classification Criteria Version 2. Collection method: clinical testing. Allele origin: germline. Affected: yes. Observed: 1 variant allele.
Comment: CDKL5: PM2:Supporting, BP4, BP7